The following is an entry in ClinVar:

ClinVar aggregate classification (germline): Uncertain significance. Review status: criteria provided, single submitter (1 of 4 stars). 2 submissions from 2 submitters: Uncertain significance (1). 1 of the submissions does not count toward it. Last evaluated 2023-12-20.

Conditions:
Ornithine carbamoyltransferase deficiency (OTCD). Also called: OTC DEFICIENCY; Ornithine Carbamoyltransferase Deficiency Disease; ORNITHINE TRANSCARBAMYLASE DEFICIENCY, HYPERAMMONEMIA DUE TO; ORNITHINE TRANSCARBAMYLASE DEFICIENCY. Identifiers: Orphanet 664, MedGen C0268542, MONDO:0010703, OMIM 311250.

gnomAD v4.1: 1 of 1,155,303 alleles (0.000087%); no homozygotes.

Submissions (2):

GeneDx
Classification: Uncertain significance. Last evaluated: 2023-12-20. Review status: criteria provided, single submitter. Criteria: GeneDx Variant Classification Process June 2021. Collection method: clinical testing. Allele origin: germline. Affected: yes.
Comment: Not observed at significant frequency in large population cohorts (gnomAD); In silico analysis supports that this missense variant has a deleterious effect on protein structure/function; Has not been previously published as pathogenic or benign to our knowledge

Natera, Inc.
Classification: Uncertain significance for Ornithine transcarbamylase deficiency. Last evaluated: 2025-05-18. Review status: no assertion criteria provided. Collection method: clinical testing. Allele origin: germline. Not counted in ClinVar's aggregate classification.

NM_000531.6(OTC):c.223C>A (p.Pro75Thr)

Gene: OTC (ornithine transcarbamylase; plus strand). Cytogenetic location: Xp11.4.
Variant type: single nucleotide variant.
Coding change: c.223C>A on transcript NM_000531.6 (MANE Select); coding-DNA position 223, C replaced by A.
Protein change: p.Pro75Thr; replaces proline 75 with threonine.
Molecular consequence: missense variant.
Genome position (GRCh38, 1-based): chrX:38,369,802, C>A. VCF-style: chrX-38369802-C-A. GRCh37 (hg19) VCF-style: chrX-38229055-C-A.
Other names: c.223C>A, p.Pro75Thr (NM_001407092.1); short protein forms P75T.
Identifiers: ClinVar variation 3343914 (VCV003343914.2).
Genomic context (GRCh38, chrX:38,369,802, plus strand): 5'-ACATAATTTATATATAAGATATATTTTAATTCTATTCTTGTCCTTGATTTATAGTATTTG[C>A]CTTTATTGCAAGGGAAGTCCTTAGGCATGATTTTTGAGAAAAGAAGTACTCGAACAAGAT-3'
Protein context (NP_000522.3, residues 65-85): FRIKQKGEYL[Pro75Thr]LLQGKSLGMI